The following is an entry in ClinVar:

ClinVar aggregate classification (germline): Uncertain significance (1 of 4 stars; one submission).

Conditions:
Perlman syndrome (PRLMNS). Identifiers: Orphanet 2849, MedGen C0796113, MONDO:0009965, OMIM 267000.

Submission:

Labcorp Genetics (formerly Invitae), Labcorp
Classification: Uncertain significance for Perlman syndrome. Last evaluated: 2025-10-20. Review status: criteria provided, single submitter. Criteria: Invitae Variant Classification Sherloc (09022015). Collection method: clinical testing. Allele origin: germline.
Comment: This sequence change replaces arginine, which is basic and polar, with glycine, which is neutral and non-polar, at codon 859 of the DIS3L2 protein (p.Arg859Gly). This variant is not present in population databases (gnomAD no frequency). This variant has not been reported in the literature in individuals affected with DIS3L2-related conditions. ClinVar contains an entry for this variant (Variation ID: 2813047). An algorithm developed to predict the effect of missense changes on protein structure and function (PolyPhen-2) suggests that this variant is likely to be tolerated. In summary, the available evidence is currently insufficient to determine the role of this variant in disease. Therefore, it has been classified as a Variant of Uncertain Significance.

NM_152383.5(DIS3L2):c.2575C>G (p.Arg859Gly)

Gene: DIS3L2 (DIS3 like 3'-5' exoribonuclease 2; plus strand). Cytogenetic location: 2q37.1.
Variant type: single nucleotide variant.
Coding change: c.2575C>G on transcript NM_152383.5 (MANE Select); coding-DNA position 2575, C replaced by G.
Protein change: p.Arg859Gly; replaces arginine 859 with glycine.
Molecular consequence: missense variant. On other transcripts: non-coding transcript variant (2), intron variant (1).
Genome position (GRCh38, 1-based): chr2:232,336,547, C>G. VCF-style: chr2-232336547-C-G. GRCh37 (hg19) VCF-style: chr2-233201257-C-G.
Other names: c.1582-6798C>G (NM_001257281.2); short protein forms R859G.
Identifiers: ClinVar variation 2813047 (VCV002813047.3), dbSNP rs756617073, ClinGen allele CA350978997.